The following is an entry in ClinVar:

ClinVar aggregate classification (germline): Uncertain significance (1 of 4 stars; one submission).

Allele frequency attached by ClinVar (database versions not stated): gnomAD exomes below 0.00001.
gnomAD v4.1: 3 of 1,613,974 alleles (0.00019%); highest among the groups gnomAD compares: Non-Finnish European, 0.00025%; no homozygotes.

Submission:

Labcorp Genetics (formerly Invitae), Labcorp
Classification: Uncertain significance. Last evaluated: 2022-08-22. Review status: criteria provided, single submitter. Criteria: Invitae Variant Classification Sherloc (09022015). Collection method: clinical testing. Allele origin: germline.
Comment: This sequence change replaces aspartic acid, which is acidic and polar, with tyrosine, which is neutral and polar, at codon 851 of the OBSL1 protein (p.Asp851Tyr). In summary, the available evidence is currently insufficient to determine the role of this variant in disease. Therefore, it has been classified as a Variant of Uncertain Significance. Algorithms developed to predict the effect of missense changes on protein structure and function are either unavailable or do not agree on the potential impact of this missense change (SIFT: "Deleterious"; PolyPhen-2: "Possibly Damaging"; Align-GVGD: "Class C0"). This variant has not been reported in the literature in individuals affected with OBSL1-related conditions. This variant is not present in population databases (gnomAD no frequency).

NM_015311.3(OBSL1):c.2551G>T (p.Asp851Tyr)

Gene: OBSL1 (obscurin like cytoskeletal adaptor 1; minus strand). Cytogenetic location: 2q35.
Variant type: single nucleotide variant.
Coding change: c.2551G>T on transcript NM_015311.3 (MANE Select); coding-DNA position 2551, G replaced by T.
Protein change: p.Asp851Tyr; replaces aspartic acid 851 with tyrosine.
Molecular consequence: missense variant.
Genome position (GRCh38, 1-based): chr2:219,563,484, C>A on the plus strand (G>T on the coding strand, the complement: OBSL1 is on the minus strand). VCF-style: chr2-219563484-C-A. GRCh37 (hg19) VCF-style: chr2-220428206-C-A.
Other names: c.2551G>T, p.Asp851Tyr (NM_001173408.2, NM_001173431.2); short protein forms D851Y.
Identifiers: ClinVar variation 1717640 (VCV001717640.5), dbSNP rs2546282988, ClinGen allele CA350748424.